The following is an entry in ClinVar:

NM_015295.3(SMCHD1):c.5002T>C (p.Leu1668=)

Gene: SMCHD1 (structural maintenance of chromosomes flexible hinge domain containing 1; plus strand). Cytogenetic location: 18p11.32.
Variant type: single nucleotide variant.
Coding change: c.5002T>C on transcript NM_015295.3 (MANE Select); coding-DNA position 5002, T replaced by C.
Protein change: p.Leu1668=; no amino-acid change (leucine 1668 retained).
Molecular consequence: synonymous variant.
Genome position (GRCh38, 1-based): chr18:2,771,568, T>C. VCF-style: chr18-2771568-T-C. GRCh37 (hg19) VCF-style: chr18-2771566-T-C.
Other names: c.5002T>C (NM_015295.2).
Identifiers: ClinVar variation 1555648 (VCV001555648.10), dbSNP rs746740103, ClinGen allele CA502672399.

ClinVar aggregate classification (germline): Likely benign. Review status: criteria provided, single submitter (1 of 4 stars). 2 submissions from 2 submitters: Likely benign (1). 1 of the submissions does not count toward it. Last evaluated 2024-03-10.

Conditions:
Facioscapulohumeral muscular dystrophy 2 (FSHD2). Also called: FACIOSCAPULOHUMERAL MUSCULAR DYSTROPHY 2, DIGENIC; FSHD2, DIGENIC; MUSCULAR DYSTROPHY, FACIOSCAPULOHUMERAL, TYPE 1B. Identifiers: Orphanet 269, MedGen C1834671, MONDO:0008031, OMIM 158901.
SMCHD1-related disorder. Also called: SMCHD1-related condition.

Allele frequency attached by ClinVar (database versions not stated): gnomAD exomes below 0.00001.
gnomAD v4.1: 8 of 1,567,262 alleles (0.00051%); highest among the groups gnomAD compares: East Asian, 0.0048%; no homozygotes.

Submissions (2):

Labcorp Genetics (formerly Invitae), Labcorp
Classification: Likely benign for Facioscapulohumeral muscular dystrophy 2. Last evaluated: 2024-03-10. Review status: criteria provided, single submitter. Criteria: Invitae Variant Classification Sherloc (09022015). Collection method: clinical testing. Allele origin: germline.

PreventionGenetics, part of Exact Sciences
Classification: Likely benign for SMCHD1-related condition. Last evaluated: 2023-08-18. Review status: no assertion criteria provided. Collection method: clinical testing. Allele origin: germline. Not counted in ClinVar's aggregate classification.
Comment: This variant is classified as likely benign based on ACMG/AMP sequence variant interpretation guidelines (Richards et al. 2015 PMID: 25741868, with internal and published modifications).